The following is an entry in ClinVar:

NM_001042492.3(NF1):c.6148-17_6148-16insAT

Gene: NF1 (neurofibromin 1; plus strand). Cytogenetic location: 17q11.2.
Variant type: Insertion.
Coding change: c.6148-17_6148-16insAT on transcript NM_001042492.3 (MANE Select); 17 bases into the intron before coding-DNA position 6148 through 16 bases into the intron before coding-DNA position 6148, AT inserted.
Molecular consequence: intron variant.
Genome position: GRCh38 VCF-style: chr17-31336618-A-AAT. GRCh37 (hg19) VCF-style: chr17-29663636-A-AAT.
Other names: c.6085-17_6085-16insAT (NM_000267.4).
Identifiers: ClinVar variation 4876175 (VCV004876175.1).

ClinVar aggregate classification (germline): Likely benign (1 of 4 stars; one submission).

Conditions:
Neurofibromatosis, type 1 (NF1). Also called: VON RECKLINGHAUSEN DISEASE; NEUROFIBROMATOSIS, TYPE I, SOMATIC; Peripheral type neurofibromatosis; Neurofibromatosis, type I. Identifiers: Orphanet 636, MedGen C0027831, MONDO:0018975, OMIM 162200. Disease mechanism: loss of function.

Submission:

Myriad Genetics, Inc.
Classification: Likely benign for Neurofibromatosis, type 1. Last evaluated: 2026-05-13. Review status: criteria provided, single submitter. Criteria: Myriad Autosomal Dominant, Autosomal Recessive and X-Linked Classification Criteria (2023). Collection method: clinical testing. Allele origin: unknown.
Comment: This variant is considered likely benign. This variant is intronic and is not expected to impact mRNA splicing.